The following is an entry in ClinVar:

NM_000170.3(GLDC):c.555_556dup (p.Ile186fs)

Gene: GLDC (glycine decarboxylase; minus strand). Cytogenetic location: 9p24.1.
Variant type: Duplication.
Coding change: c.555_556dup on transcript NM_000170.3 (MANE Select); coding-DNA positions 555 to 556, 2 bases duplicated (CA; older notation c.555_556dupCA).
Protein change: p.Ile186fs; shifts the reading frame from isoleucine 186.
Molecular consequence: frameshift variant.
Genome position (GRCh38, 1-based): chr9:6,610,271-6,610,272, TG duplicated on the plus strand (CA on the coding strand, the reverse complement: GLDC is on the minus strand); duplicating any 2 consecutive bases within chr9:6,610,271-6,610,273 gives the same sequence; the c. name uses the placement nearest the transcript's 3' end. VCF-style (leftmost placement, unchanged base first): chr9-6610270-A-ATG. GRCh37 (hg19) VCF-style: chr9-6610270-A-ATG.
Other names: short protein forms I186fs.
Identifiers: ClinVar variation 5013559 (VCV005013559.1).
Genomic context (GRCh38, chr9:6,610,270, plus strand): 5'-GCCTCTGCGGCTGCAGTCCCCTCATCCAGCAGGGATGCATTGGCCATGTCCAGGCCTGTG[A>ATG]TGTCACACACCATGGTCTGGTAGTTGAGTAAACTCTCCAGCCTCCCCTGAGACACCTCAG-3'

ClinVar aggregate classification (germline): Pathogenic (1 of 4 stars; one submission).

Conditions:
Glycine encephalopathy 1 (GCE1). Identifiers: MedGen CN376801, MONDO:0958179, OMIM 605899.

Submission:

Myriad Genetics, Inc.
Classification: Pathogenic for Glycine encephalopathy 1. Last evaluated: 2024-09-17. Review status: criteria provided, single submitter. Criteria: Myriad Autosomal Dominant, Autosomal Recessive and X-Linked Classification Criteria (2023). Collection method: clinical testing. Allele origin: unknown.
Comment: NM_000170.2(GLDC):c.555_556dupCA(I186Tfs*46) is expected to be pathogenic in the context of glycine encephalopathy, GLDC-related. This variant is predicted to lead to an abnormal or absent protein product due to the creation of a premature termination codon in GLDC, a gene where loss-of-function variants are known to be pathogenic. Please note: this variant was assessed in the context of healthy population screening.